The following is an entry in ClinVar:

NM_000179.3(MSH6):c.382C>A (p.Arg128Ser)

Gene: MSH6 (mutS homolog 6; plus strand). Cytogenetic location: 2p16.3.
Variant type: single nucleotide variant.
Coding change: c.382C>A on transcript NM_000179.3 (MANE Select); coding-DNA position 382, C replaced by A.
Protein change: p.Arg128Ser; replaces arginine 128 with serine.
Molecular consequence: missense variant. On other transcripts: 5 prime UTR variant (2), intron variant (1).
Genome position (GRCh38, 1-based): chr2:47,791,048, C>A. VCF-style: chr2-47791048-C-A. GRCh37 (hg19) VCF-style: chr2-48018187-C-A.
Other names: c.-355C>A (NM_001281493.2, NM_001406811.1, NM_001406823.1 and 1 more transcripts); c.-521C>A (NM_001281494.2); c.478C>A, p.Arg160Ser (NM_001406795.1, NM_001406802.1); c.-547C>A (NM_001406807.1); c.382C>A, p.Arg128Ser (NM_001406808.1, NM_001406809.1, NM_001406813.1 and 6 more transcripts); c.-613C>A (NM_001406814.1); c.85C>A, p.Arg29Ser (NM_001406818.1, NM_001406819.1, NM_001406820.1 and 10 more transcripts); c.238-7563C>A (NM_001281492.2); and 2 more; short protein forms R29S, R72S, R102S, R128S, R160S.
Identifiers: ClinVar variation 1998627 (VCV001998627.5), dbSNP rs1251938412, ClinGen allele CA346737050.

ClinVar aggregate classification (germline): Uncertain significance. Review status: criteria provided, multiple submitters, no conflicts (2 of 4 stars). 2 submissions from 2 submitters: Uncertain significance (2). Last evaluated 2026-08-16.

Conditions:
Hereditary nonpolyposis colorectal neoplasms. Identifiers: MedGen C0009405, MeSH D003123.
Hereditary cancer-predisposing syndrome. Also called: Hereditary neoplastic syndrome; Neoplastic Syndromes, Hereditary; Tumor predisposition; Hereditary Cancer Syndrome. Identifiers: Orphanet 140162, MedGen C0027672, MeSH D009386, MONDO:0015356.

Submissions (2):

Ambry Genetics
Classification: Uncertain significance for Hereditary cancer-predisposing syndrome. Last evaluated: 2026-08-16. Review status: criteria provided, single submitter. Criteria: Ambry Variant Classification Scheme 2023. Collection method: clinical testing. Allele origin: germline.
Comment: The p.R128S variant (also known as c.382C>A), located in coding exon 2 of the MSH6 gene, results from a C to A substitution at nucleotide position 382. The arginine at codon 128 is replaced by serine, an amino acid with dissimilar properties. This amino acid position is conserved. In addition, the in silico prediction for this alteration is inconclusive. Based on the available evidence, the clinical significance of this variant remains unclear.

Labcorp Genetics (formerly Invitae), Labcorp
Classification: Uncertain significance for Hereditary nonpolyposis colorectal neoplasms. Last evaluated: 2022-05-25. Review status: criteria provided, single submitter. Criteria: Invitae Variant Classification Sherloc (09022015). Collection method: clinical testing. Allele origin: germline.
Comment: This variant has not been reported in the literature in individuals affected with MSH6-related conditions. This variant is not present in population databases (gnomAD no frequency). This sequence change replaces arginine, which is basic and polar, with serine, which is neutral and polar, at codon 128 of the MSH6 protein (p.Arg128Ser). Advanced modeling of protein sequence and biophysical properties (such as structural, functional, and spatial information, amino acid conservation, physicochemical variation, residue mobility, and thermodynamic stability) performed at Invitae indicates that this missense variant is not expected to disrupt MSH6 protein function. In summary, the available evidence is currently insufficient to determine the role of this variant in disease. Therefore, it has been classified as a Variant of Uncertain Significance.